The following is an entry in ClinVar:

ClinVar aggregate classification (germline): Uncertain significance (1 of 4 stars; one submission).

Conditions:
Desmin-related myofibrillar myopathy (MFM1). Also called: Desminopathy; Desmin related myopathy (former name); Desmin storage myopathy (former name); MYOFIBRILLAR MYOPATHY WITH ARRHYTHMOGENIC RIGHT VENTRICULAR CARDIOMYOPATHY; DESMIN-RELATED MYOPATHY WITH ARRHYTHMOGENIC RIGHT VENTRICULAR CARDIOMYOPATHY; Myofibrillar myopathy 1. Identifiers: Orphanet 363543, Orphanet 98909, MedGen C1832370, MONDO:0011076, OMIM 601419.

gnomAD v4.1: 5 of 1,614,074 alleles (0.00031%); highest among the groups gnomAD compares: Non-Finnish European, 0.00042%; 1 homozygote.

Submission:

Labcorp Genetics (formerly Invitae), Labcorp
Classification: Uncertain significance for Desmin-related myofibrillar myopathy. Last evaluated: 2025-12-23. Review status: criteria provided, single submitter. Criteria: Invitae Variant Classification Sherloc (09022015). Collection method: clinical testing. Allele origin: germline.
Comment: This sequence change affects codon 299 of the DES mRNA. It is a 'silent' change, meaning that it does not change the encoded amino acid sequence of the DES protein. This variant also falls at the last nucleotide of exon 4, which is part of the consensus splice site for this exon. This variant is not present in population databases (gnomAD no frequency). This variant has not been reported in the literature in individuals affected with DES-related conditions. ClinVar contains an entry for this variant (Variation ID: 3758032). Variants that disrupt the consensus splice site are a relatively common cause of aberrant splicing (PMID: 17576681, 9536098). Algorithms developed to predict the effect of sequence changes on RNA splicing suggest that this variant may disrupt the consensus splice site. In summary, the available evidence is currently insufficient to determine the role of this variant in disease. Therefore, it has been classified as a Variant of Uncertain Significance.

Literature cited by the submitters: PubMed 17576681; PubMed 9536098.

NM_001927.4(DES):c.897G>A (p.Lys299=)

Gene: DES (desmin; plus strand). Cytogenetic location: 2q35.
Variant type: single nucleotide variant.
Coding change: c.897G>A on transcript NM_001927.4 (MANE Select); coding-DNA position 897, G replaced by A.
Protein change: p.Lys299=; no amino-acid change (lysine 299 retained).
Molecular consequence: synonymous variant. On other transcripts: intron variant (1).
Genome position (GRCh38, 1-based): chr2:219,420,656, G>A. VCF-style: chr2-219420656-G-A. GRCh37 (hg19) VCF-style: chr2-220285378-G-A.
Other names: c.894G>A, p.Lys298= (NM_001382708.1); c.897G>A, p.Lys299= (NM_001382710.1, NM_001382711.1, NM_001382712.1); c.627G>A, p.Lys209= (NM_001382713.1); c.735+310G>A (NM_001382709.1).
Identifiers: ClinVar variation 3758032 (VCV003758032.2).